The following is an entry in ClinVar:

ClinVar aggregate classification (germline): Uncertain significance (1 of 4 stars; one submission).

Conditions:
Inborn genetic diseases. Identifiers: MedGen C0950123, MeSH D030342.

Submission:

Ambry Genetics
Classification: Uncertain significance for Inborn genetic diseases. Last evaluated: 2025-06-22. Review status: criteria provided, single submitter. Criteria: Ambry Variant Classification Scheme 2023. Collection method: clinical testing. Allele origin: germline.
Comment: The p.C766W variant (also known as c.2298C>G), located in coding exon 25 of the FANCA gene, results from a C to G substitution at nucleotide position 2298. The cysteine at codon 766 is replaced by tryptophan, an amino acid with highly dissimilar properties. This amino acid position is conserved. In addition, the in silico prediction for this alteration is inconclusive. Based on the available evidence, the clinical significance of this variant remains unclear.

NM_000135.4(FANCA):c.2298C>G (p.Cys766Trp)

Gene: FANCA (FA complementation group A; minus strand). Cytogenetic location: 16q24.3.
Variant type: single nucleotide variant.
Coding change: c.2298C>G on transcript NM_000135.4 (MANE Select); coding-DNA position 2298, C replaced by G.
Protein change: p.Cys766Trp; replaces cysteine 766 with tryptophan.
Molecular consequence: missense variant.
Genome position (GRCh38, 1-based): chr16:89,770,184, G>C on the plus strand (C>G on the coding strand, the complement: FANCA is on the minus strand). VCF-style: chr16-89770184-G-C. GRCh37 (hg19) VCF-style: chr16-89836592-G-C.
Other names: c.2298C>G, p.Cys766Trp (NM_001286167.3); short protein forms C766W.
Identifiers: ClinVar variation 4254144 (VCV004254144.1).